The following is an entry in ClinVar:

ClinVar aggregate classification (germline): Pathogenic. Review status: criteria provided, multiple submitters, no conflicts (2 of 4 stars). 2 submissions from 2 submitters: Pathogenic (2). Last evaluated 2025-12-24.

Conditions:
CHARGE syndrome (CHARGE). Also called: Coloboma, heart anomaly, choanal atresia, retardation, genital and ear anomalies; CHARGE association; Hall-Hittner syndrome; Hittner Hirsch Kreh syndrome; CHARGE ASSOCIATION--COLOBOMA, HEART ANOMALY, CHOANAL ATRESIA, RETARDATION, GENITAL AND EAR ANOMALIES. Identifiers: Orphanet 138, MedGen C0265354, MONDO:0008965.

Submissions (2):

Labcorp Genetics (formerly Invitae), Labcorp
Classification: Pathogenic for CHARGE syndrome. Last evaluated: 2025-12-24. Review status: criteria provided, single submitter. Criteria: Invitae Variant Classification Sherloc (09022015). Collection method: clinical testing. Allele origin: germline.
Comment: This sequence change creates a premature translational stop signal (p.Tyr2608*) in the CHD7 gene. It is expected to result in an absent or disrupted protein product. Loss-of-function variants in CHD7 are known to be pathogenic (PMID: 22461308, 25077900). This variant is not present in population databases (gnomAD no frequency). This premature translational stop signal has been observed in individual(s) with CHARGE syndrome (PMID: 15300250). ClinVar contains an entry for this variant (Variation ID: 655421). Algorithms developed to predict the effect of sequence changes on RNA splicing suggest that this variant may disrupt the consensus splice site. For these reasons, this variant has been classified as Pathogenic.

GeneDx
Classification: Pathogenic. Last evaluated: 2024-03-01. Review status: criteria provided, single submitter. Criteria: GeneDx Variant Classification Process June 2021. Collection method: clinical testing. Allele origin: germline. Affected: yes.
Comment: Nonsense variant predicted to result in protein truncation or nonsense mediated decay in a gene for which loss of function is a known mechanism of disease; Not observed at significant frequency in large population cohorts (gnomAD); Has not been previously published as pathogenic or benign to our knowledge

Literature cited by the submitters: PubMed 22461308 (cited by Labcorp Genetics (formerly Invitae), Labcorp); PubMed 25077900 (cited by Labcorp Genetics (formerly Invitae), Labcorp); PubMed 15300250 (cited by Labcorp Genetics (formerly Invitae), Labcorp).

NM_017780.4(CHD7):c.7824T>G (p.Tyr2608Ter)

Gene: CHD7 (chromodomain helicase DNA binding protein 7; plus strand). Cytogenetic location: 8q12.2.
Variant type: single nucleotide variant.
Coding change: c.7824T>G on transcript NM_017780.4 (MANE Select); coding-DNA position 7824, T replaced by G.
Protein change: p.Tyr2608Ter; replaces tyrosine 2608 with a stop codon.
Molecular consequence: nonsense. On other transcripts: intron variant (1).
Genome position (GRCh38, 1-based): chr8:60,861,119, T>G. VCF-style: chr8-60861119-T-G. GRCh37 (hg19) VCF-style: chr8-61773678-T-G.
Other names: c.1717-1110T>G (NM_001316690.1); c.7824T>G (NM_017780.2); short protein forms Y2608*.
Identifiers: ClinVar variation 655421 (VCV000655421.9), dbSNP rs1586460329, ClinGen allele CA371304782.